The following is an entry in ClinVar:

NM_007255.3(B4GALT7):c.639+13C>G

Gene: B4GALT7 (beta-1,4-galactosyltransferase 7; plus strand). Cytogenetic location: 5q35.3.
Variant type: single nucleotide variant.
Coding change: c.639+13C>G on transcript NM_007255.3 (MANE Select); 13 bases into the intron after coding-DNA position 639, C replaced by G.
Molecular consequence: intron variant.
Genome position (GRCh38, 1-based): chr5:177,607,540, C>G. VCF-style: chr5-177607540-C-G. GRCh37 (hg19) VCF-style: chr5-177034541-C-G.
Identifiers: ClinVar variation 3662631 (VCV003662631.3).

ClinVar aggregate classification (germline): Likely benign. Review status: criteria provided, multiple submitters, no conflicts (2 of 4 stars). 2 submissions from 2 submitters: Likely benign (2). Last evaluated 2025-12-03.

Conditions:
Spondylodysplastic Ehlers-Danlos syndrome. Identifiers: Orphanet 536471, Orphanet 75496, MedGen C5680154, MONDO:0007526.

gnomAD v4.1: 23 of 1,606,764 alleles (0.0014%); highest among the groups gnomAD compares: African/African-American, 0.008%; no homozygotes.

Submissions (2):

Labcorp Genetics (formerly Invitae), Labcorp
Classification: Likely benign for Spondylodysplastic Ehlers-Danlos syndrome. Last evaluated: 2025-12-03. Review status: criteria provided, single submitter. Criteria: Invitae Variant Classification Sherloc (09022015). Collection method: clinical testing. Allele origin: germline.

Women's Health and Genetics/Laboratory Corporation of America, LabCorp
Classification: Likely benign. Last evaluated: 2025-02-10. Review status: criteria provided, single submitter. Criteria: LabCorp Variant Classification Summary - May 2015. Collection method: clinical testing. Allele origin: germline.
Comment: Variant summary: B4GALT7 c.639+13C>G alters a non-conserved nucleotide located at a position not widely known to affect splicing. Consensus agreement among computation tools predict no significant impact on normal splicing. However, these predictions have yet to be confirmed by functional studies. The variant allele was found at a frequency of 1.2e-05 in 245318 control chromosomes. The available data on variant occurrences in the general population are insufficient to allow any conclusion about variant significance. To our knowledge, no occurrence of c.639+13C>G in individuals affected with Spondylodysplastic Ehlers-Danlos syndrome and no experimental evidence demonstrating its impact on protein function have been reported. No submitters have cited clinical-significance assessments for this variant to ClinVar. Based on the evidence outlined above, the variant was classified as likely benign.